The following is an entry in ClinVar:

ClinVar aggregate classification (germline): Pathogenic (1 of 4 stars; one submission).

Submission:

Labcorp Genetics (formerly Invitae), Labcorp
Classification: Pathogenic. Last evaluated: 2021-01-04. Review status: criteria provided, single submitter. Criteria: Invitae Variant Classification Sherloc (09022015). Collection method: clinical testing. Allele origin: germline.
Comment: For these reasons, this variant has been classified as Pathogenic. This variant has been observed in individual(s) with hypophosphatemic rickets (Invitae). This variant is not present in population databases (ExAC no frequency). This sequence change creates a premature translational stop signal (p.Met285Asnfs*5) in the PHEX gene. It is expected to result in an absent or disrupted protein product. Loss-of-function variants in PHEX are known to be pathogenic (PMID: 9097956, 9106524, 19219621).

Literature cited by the submitters: PubMed 9097956; PubMed 9106524; PubMed 19219621.

NM_000444.6(PHEX):c.853dup (p.Met285fs)

Gene: PHEX (phosphate regulating endopeptidase X-linked; plus strand). Cytogenetic location: Xp22.11.
Variant type: Duplication.
Coding change: c.853dup on transcript NM_000444.6 (MANE Select); coding-DNA position 853, one base duplicated (A; older notation c.853dupA).
Protein change: p.Met285fs; shifts the reading frame from methionine 285.
Molecular consequence: frameshift variant.
Genome position (GRCh38, 1-based): chrX:22,096,958, A duplicated; the last of 2 consecutive A bases (chrX:22,096,957-22,096,958); duplicating either gives the same sequence. VCF-style (leftmost placement, unchanged base first): chrX-22096956-T-TA. GRCh37 (hg19) VCF-style: chrX-22115074-T-TA.
Other names: c.853dup, p.Met285fs (NM_001282754.2); short protein forms M285fs.
Identifiers: ClinVar variation 1451965 (VCV001451965.8), dbSNP rs2147043566, ClinGen allele CA2573158754.